The following is an entry in ClinVar:

NM_000404.4(GLB1):c.500_501del (p.Pro167fs)

Gene: GLB1 (galactosidase beta 1; minus strand). Cytogenetic location: 3p22.3.
Variant type: Deletion.
Coding change: c.500_501del on transcript NM_000404.4 (MANE Select); coding-DNA positions 500 to 501, 2 bases deleted (CC; older notation c.500_501delCC).
Protein change: p.Pro167fs; shifts the reading frame from proline 167.
Molecular consequence: frameshift variant.
Genome position (GRCh38, 1-based): chr3:33,065,514-33,065,515, GG deleted on the plus strand (CC on the coding strand, the reverse complement: GLB1 is on the minus strand); deleting any 2 consecutive bases within chr3:33,065,514-33,065,516 gives the same sequence; the c. name uses the placement nearest the transcript's 3' end. VCF-style (leftmost placement, unchanged base first): chr3-33065513-TGG-T. GRCh37 (hg19) VCF-style: chr3-33107005-TGG-T.
Other names: c.410_411del, p.Pro137fs (NM_001079811.3); c.288_289del, p.Gln97fs (NM_001135602.3); c.644_645del, p.Pro215fs (NM_001317040.2); c.500_501del, p.Pro167fs (NM_001393580.1); short protein forms P137fs, P167fs, P215fs, Q97fs.
Identifiers: ClinVar variation 1725318 (VCV001725318.3), dbSNP rs2471424609, ClinGen allele CA2580069253.

ClinVar aggregate classification (germline): Likely pathogenic (1 of 4 stars; one submission).

Conditions:
GLB1-related disorder. Also called: GLB1-related disorders. Identifiers: MedGen CN377807.

Submission:

Myriad Genetics, Inc.
Classification: Likely pathogenic for GLB1-related disorder. Last evaluated: 2022-03-15. Review status: criteria provided, single submitter. Criteria: Myriad Autosomal Dominant, Autosomal Recessive and X-Linked Classification Criteria (2023). Collection method: clinical testing. Allele origin: unknown.
Comment: NM_000404.2(GLB1):c.500_501delCC(P167Qfs*19) is expected to be pathogenic in the context of GLB1-related disorders. This variant is predicted to lead to an abnormal or absent protein product due to the creation of a premature termination codon in GLB1, a gene where loss-of-function variants are known to be pathogenic. Please note: this variant was assessed in the context of healthy population screening.